The following is an entry in ClinVar:

ClinVar aggregate classification (germline): Uncertain significance. Review status: criteria provided, multiple submitters, no conflicts (2 of 4 stars). 3 submissions from 3 submitters: Uncertain significance (3). Last evaluated 2025-08-28.

Conditions:
Familial adenomatous polyposis 1 (FAP1). Also called: FAMILIAL ADENOMATOUS POLYPOSIS 1, ATTENUATED; POLYPOSIS, ADENOMATOUS INTESTINAL. Identifiers: MedGen C2713442, MONDO:0021056, OMIM 175100. Disease mechanism: loss of function.
Hereditary cancer-predisposing syndrome. Also called: Tumor predisposition; Hereditary neoplastic syndrome; Hereditary Cancer Syndrome; Neoplastic Syndromes, Hereditary. Identifiers: Orphanet 140162, MedGen C0027672, MeSH D009386, MONDO:0015356.

Submissions (3):

Labcorp Genetics (formerly Invitae), Labcorp
Classification: Uncertain significance for Familial adenomatous polyposis 1. Last evaluated: 2025-08-28. Review status: criteria provided, single submitter. Criteria: Invitae Variant Classification Sherloc (09022015). Collection method: clinical testing. Allele origin: germline.
Comment: This sequence change replaces threonine, which is neutral and polar, with isoleucine, which is neutral and non-polar, at codon 1947 of the APC protein (p.Thr1947Ile). This variant is not present in population databases (gnomAD no frequency). This variant has not been reported in the literature in individuals affected with APC-related conditions. ClinVar contains an entry for this variant (Variation ID: 1171348). Invitae Evidence Modeling of protein sequence and biophysical properties (such as structural, functional, and spatial information, amino acid conservation, physicochemical variation, residue mobility, and thermodynamic stability) indicates that this missense variant is not expected to disrupt APC protein function with a negative predictive value of 95%. In summary, the available evidence is currently insufficient to determine the role of this variant in disease. Therefore, it has been classified as a Variant of Uncertain Significance.

Ambry Genetics
Classification: Uncertain significance for Hereditary cancer-predisposing syndrome. Last evaluated: 2024-08-02. Review status: criteria provided, single submitter. Criteria: Ambry Variant Classification Scheme 2023. Collection method: clinical testing. Allele origin: germline.
Comment: The p.T1947I variant (also known as c.5840C>T), located in coding exon 15 of the APC gene, results from a C to T substitution at nucleotide position 5840. The threonine at codon 1947 is replaced by isoleucine, an amino acid with similar properties. This amino acid position is not well conserved in available vertebrate species. In addition, in silico predictors for this gene do not accurately predict pathogenicity. Since supporting evidence is limited at this time, the clinical significance of this alteration remains unclear.

Color Diagnostics, LLC DBA Color Health
Classification: Uncertain significance for Hereditary cancer-predisposing syndrome. Last evaluated: 2024-03-06. Review status: criteria provided, single submitter. Criteria: ACMG Guidelines, 2015. Collection method: clinical testing. Allele origin: germline.
Comment: This missense variant replaces threonine with isoleucine at codon 1947 of the APC protein. Computational prediction suggests that this variant may not impact protein structure and function (internally defined REVEL score threshold <= 0.5, PMID: 27666373). To our knowledge, functional studies have not been reported for this variant. This variant has not been reported in individuals affected with hereditary cancer in the literature. This variant has not been identified in the general population by the Genome Aggregation Database (gnomAD). The available evidence is insufficient to determine the role of this variant in disease conclusively. Therefore, this variant is classified as a Variant of Uncertain Significance.

NM_000038.6(APC):c.5840C>T (p.Thr1947Ile)

Gene: APC (APC regulator of Wnt signaling pathway; plus strand). Cytogenetic location: 5q22.2.
Variant type: single nucleotide variant.
Coding change: c.5840C>T on transcript NM_000038.6 (MANE Select); coding-DNA position 5840, C replaced by T.
Protein change: p.Thr1947Ile; replaces threonine 1947 with isoleucine.
Molecular consequence: missense variant.
Genome position (GRCh38, 1-based): chr5:112,841,434, C>T. VCF-style: chr5-112841434-C-T. GRCh37 (hg19) VCF-style: chr5-112177131-C-T.
Other names: c.5840C>T, p.Thr1947Ile (NM_001127510.3, NM_001354895.2); c.5786C>T, p.Thr1929Ile (NM_001127511.3); c.5894C>T, p.Thr1965Ile (NM_001354896.2); c.5870C>T, p.Thr1957Ile (NM_001354897.2); c.5765C>T, p.Thr1922Ile (NM_001354898.2); c.5756C>T, p.Thr1919Ile (NM_001354899.2); c.5717C>T, p.Thr1906Ile (NM_001354900.2); c.5663C>T, p.Thr1888Ile (NM_001354901.2); and 5 more; short protein forms T1664I, T1787I, T1821I, T1846I, T1856I, T1888I, T1906I, T1919I.
Identifiers: ClinVar variation 1171348 (VCV001171348.14), dbSNP rs575724078, ClinGen allele CA16034105.
Genomic context (GRCh38, chr5:112,841,434, plus strand): 5'-TTCAGAAACAATCCACTTTTCCCCAGTCATCCAAAGACATACCAGACAGAGGGGCAGCAA[C>T]TGATGAAAAGTTACAGAATTTTGCTATTGAAAATACTCCGGTTTGCTTTTCTCATAATTC-3'
Protein context (NP_000029.2, residues 1937-1957): SKDIPDRGAA[Thr1947Ile]DEKLQNFAIE